The following is an entry in ClinVar:

ClinVar aggregate classification (germline): Pathogenic (1 of 4 stars; one submission).

Conditions:
Baller-Gerold syndrome (BGS). Also called: CRANIOSYNOSTOSIS WITH RADIAL DEFECTS. Identifiers: Orphanet 1225, MedGen C0265308, MONDO:0009039, OMIM 218600.

Submission:

Labcorp Genetics (formerly Invitae), Labcorp
Classification: Pathogenic for Baller-Gerold syndrome. Last evaluated: 2023-06-10. Review status: criteria provided, single submitter. Criteria: Invitae Variant Classification Sherloc (09022015). Collection method: clinical testing. Allele origin: germline.
Comment: This sequence change creates a premature translational stop signal (p.Gln306Hisfs*56) in the RECQL4 gene. It is expected to result in an absent or disrupted protein product. Loss-of-function variants in RECQL4 are known to be pathogenic (PMID: 12734318, 12952869). This variant is not present in population databases (gnomAD no frequency). This variant has not been reported in the literature in individuals affected with RECQL4-related conditions. For these reasons, this variant has been classified as Pathogenic.

Literature cited by the submitters: PubMed 12734318; PubMed 12952869.

NM_004260.4(RECQL4):c.910_917dup (p.Gln306fs)

Gene: RECQL4 (RecQ like helicase 4; minus strand). Cytogenetic location: 8q24.3.
Variant type: Duplication.
Coding change: c.910_917dup on transcript NM_004260.4 (MANE Select); coding-DNA positions 910 to 917, 8 bases duplicated (CAGGCACA; older notation c.910_917dupCAGGCACA).
Protein change: p.Gln306fs; shifts the reading frame from glutamine 306.
Molecular consequence: frameshift variant. On other transcripts: 5 prime UTR variant (17), non-coding transcript variant (3).
Genome position (GRCh38, 1-based): chr8:144,516,202-144,516,209, TGTGCCTG duplicated on the plus strand (CAGGCACA on the coding strand, the reverse complement: RECQL4 is on the minus strand); duplicating any 8 consecutive bases within chr8:144,516,202-144,516,210 gives the same sequence; the c. name uses the placement nearest the transcript's 3' end. VCF-style (leftmost placement, unchanged base first): chr8-144516201-C-CTGTGCCTG. GRCh37 (hg19) VCF-style: chr8-145741585-C-CTGTGCCTG.
Other names: c.910_917dup, p.Gln306fs (NM_001413017.1, NM_001413018.1, NM_001413019.1 and 4 more transcripts); c.-162_-155dup (NM_001413021.1, NM_001413022.1, NM_001413023.1 and 7 more transcripts); c.781_788dup, p.Gln263fs (NM_001413025.1); c.-224_-217dup (NM_001413027.1, NM_001413030.1, NM_001413031.1 and 2 more transcripts); c.559_566dup, p.Gln189fs (NM_001413029.1); c.-66_-59dup (NM_001413034.1); c.-431_-424dup (NM_001413043.1); short protein forms Q189fs, Q263fs, Q306fs.
Identifiers: ClinVar variation 2709591 (VCV002709591.3), dbSNP rs2538086204, ClinGen allele CA2697550243.
Genomic context (GRCh38, chr8:144,516,201, plus strand): 5'-ACTGGAGGGGCTGAGTCCGTGGTACCTGGGGTTCGATGGGCTGCTGCAGGGCTGAGGTGG[C>CTGTGCCTG]TGTGCCTGTACAGGTTCCCCTGGAGGGTCTTCCTCAACTGCTACAGCCCCAGCCCCCTCC-3'